The following is an entry in ClinVar:

ClinVar aggregate classification (germline): Likely benign. Review status: criteria provided, multiple submitters, no conflicts (2 of 4 stars). 2 submissions from 2 submitters: Likely benign (2). Last evaluated 2026-01-27.

Conditions:
Hypertrophic cardiomyopathy. Also called: HYPERTROPHIC MYOCARDIOPATHY. Identifiers: Orphanet 217569, MedGen C0007194, MeSH D002312, MONDO:0005045, HP:0001639.

Submissions (2):

Labcorp Genetics (formerly Invitae), Labcorp
Classification: Likely benign for Hypertrophic cardiomyopathy. Last evaluated: 2026-01-27. Review status: criteria provided, single submitter. Criteria: Invitae Variant Classification Sherloc (09022015). Collection method: clinical testing. Allele origin: germline.

Laboratory for Molecular Medicine, Mass General Brigham Personalized Medicine
Classification: Likely benign. Last evaluated: 2015-12-23. Review status: criteria provided, single submitter. Criteria: LMM Criteria. Collection method: clinical testing. Allele origin: germline. Observed: 2 variant alleles.
Comment: p.Lys1683fs in exon 38 of MYOM1: This variant is predicted to cause a frameshift within the last exon and is predicted to result in a protein where the last few amino acids are replaced by different residues. This variant is not expected to have clinical significance because it has been identified in 0.3% (15/4502) of African chromosomes by the Exome Aggregation Consortium (ExAC; dbSNP rs573184538).

NM_003803.4(MYOM1):c.5045dup (p.Lys1683fs)

Gene: MYOM1 (myomesin 1; minus strand). Cytogenetic location: 18p11.31.
Variant type: Duplication.
Coding change: c.5045dup on transcript NM_003803.4 (MANE Select); coding-DNA position 5045, one base duplicated (A; older notation c.5045dupA).
Protein change: p.Lys1683fs; shifts the reading frame from lysine 1683.
Molecular consequence: frameshift variant (on NM_003803.3).
Genome position (GRCh38, 1-based): chr18:3,067,275, T duplicated on the plus strand (A on the coding strand, the reverse complement: MYOM1 is on the minus strand); the first of 2 consecutive T bases (chr18:3,067,275-3,067,276); duplicating either gives the same sequence. VCF-style (leftmost placement, unchanged base first): chr18-3067274-C-CT. GRCh37 (hg19) VCF-style: chr18-3067272-C-CT.
Other names: NM_003803.3:c.5045dupA; p.Lys1683GlufsX16; c.5045_5046insA (NM_003803.3); c.4757dup, p.Lys1587fs (NM_019856.2); short protein forms K1587fs, K1683fs.
Identifiers: ClinVar variation 227706 (VCV000227706.14), dbSNP rs573184538, ClinGen allele CA8873687.